The following is an entry in ClinVar:

ClinVar aggregate classification (germline): Uncertain significance (1 of 4 stars; one submission).

Conditions:
Inborn genetic diseases. Identifiers: MedGen C0950123, MeSH D030342.

gnomAD v4.1: 6 of 1,612,062 alleles (0.00037%); highest among the groups gnomAD compares: Non-Finnish European, 0.00051%; no homozygotes.

Submission:

Ambry Genetics
Classification: Uncertain significance for Inborn genetic diseases. Last evaluated: 2026-04-11. Review status: criteria provided, single submitter. Criteria: Ambry Variant Classification Scheme 2023. Collection method: clinical testing. Allele origin: germline.
Comment: The c.1168G>A (p.G390R) alteration is located in exon 6 (coding exon 6) of the KRT17 gene. This alteration results from a G to A substitution at nucleotide position 1168, causing the glycine (G) at amino acid position 390 to be replaced by an arginine (R). Based on data from gnomAD, the A allele has an overall frequency of <0.001% (1/249916) total alleles studied. The highest observed frequency was 0.001% (1/112822) of European (non-Finnish) alleles. Based on insufficient or conflicting evidence, the clinical significance of this alteration remains unclear.

NM_000422.3(KRT17):c.1168G>A (p.Gly390Arg)

Gene: KRT17 (keratin 17; minus strand). Cytogenetic location: 17q21.2.
Variant type: single nucleotide variant.
Coding change: c.1168G>A on transcript NM_000422.3 (MANE Select); coding-DNA position 1168, G replaced by A.
Protein change: p.Gly390Arg; replaces glycine 390 with arginine.
Molecular consequence: missense variant.
Genome position (GRCh38, 1-based): chr17:41,620,672, C>T on the plus strand (G>A on the coding strand, the complement: KRT17 is on the minus strand). VCF-style: chr17-41620672-C-T. GRCh37 (hg19) VCF-style: chr17-39776924-C-T.
Other names: short protein forms G390R.
Identifiers: ClinVar variation 4859046 (VCV004859046.1).